The following is an entry in ClinVar:

ClinVar aggregate classification (germline): Uncertain significance (1 of 4 stars; one submission).

Conditions:
Baller-Gerold syndrome (BGS). Also called: CRANIOSYNOSTOSIS WITH RADIAL DEFECTS. Identifiers: Orphanet 1225, MedGen C0265308, MONDO:0009039, OMIM 218600.

Allele frequency attached by ClinVar (database versions not stated): TOPMed 0.00001; gnomAD 0.00002; gnomAD exomes 0.00003; ExAC 0.00004.
gnomAD v4.1: 37 of 1,564,696 alleles (0.0024%); highest among the groups gnomAD compares: Middle Eastern, 0.017%; no homozygotes.

Submission:

Labcorp Genetics (formerly Invitae), Labcorp
Classification: Uncertain significance for Baller-Gerold syndrome. Last evaluated: 2025-12-01. Review status: criteria provided, single submitter. Criteria: Invitae Variant Classification Sherloc (09022015). Collection method: clinical testing. Allele origin: germline.
Comment: This sequence change replaces arginine, which is basic and polar, with tryptophan, which is neutral and slightly polar, at codon 491 of the RECQL4 protein (p.Arg491Trp). The frequency data for this variant in the population databases is considered unreliable, as metrics indicate poor data quality at this position in the gnomAD database. This variant has not been reported in the literature in individuals affected with RECQL4-related conditions. ClinVar contains an entry for this variant (Variation ID: 239697). Invitae Evidence Modeling of protein sequence and biophysical properties (such as structural, functional, and spatial information, amino acid conservation, physicochemical variation, residue mobility, and thermodynamic stability) indicates that this missense variant is expected to disrupt RECQL4 protein function with a positive predictive value of 80%. In summary, the available evidence is currently insufficient to determine the role of this variant in disease. Therefore, it has been classified as a Variant of Uncertain Significance.

NM_004260.4(RECQL4):c.1471C>T (p.Arg491Trp)

Gene: RECQL4 (RecQ like helicase 4; minus strand). Cytogenetic location: 8q24.3.
Variant type: single nucleotide variant.
Coding change: c.1471C>T on transcript NM_004260.4 (MANE Select); coding-DNA position 1471, C replaced by T.
Protein change: p.Arg491Trp; replaces arginine 491 with tryptophan.
Molecular consequence: missense variant.
Genome position (GRCh38, 1-based): chr8:144,515,162, G>A on the plus strand (C>T on the coding strand, the complement: RECQL4 is on the minus strand). VCF-style: chr8-144515162-G-A. GRCh37 (hg19) VCF-style: chr8-145740546-G-A.
Other names: short protein forms R491W.
Identifiers: ClinVar variation 239697 (VCV000239697.8), dbSNP rs746417965, ClinGen allele CA4948850.